The following is an entry in ClinVar:

NM_201548.5(CERKL):c.1322A>C (p.Glu441Ala)

Gene: CERKL (CERK like autophagy regulator; minus strand). Cytogenetic location: 2q31.3.
Variant type: single nucleotide variant.
Coding change: c.1322A>C on transcript NM_201548.5 (MANE Select); coding-DNA position 1322, A replaced by C.
Protein change: p.Glu441Ala; replaces glutamic acid 441 with alanine.
Molecular consequence: missense variant. On other transcripts: non-coding transcript variant (2).
Genome position (GRCh38, 1-based): chr2:181,544,743, T>G on the plus strand (A>C on the coding strand, the complement: CERKL is on the minus strand). VCF-style: chr2-181544743-T-G. GRCh37 (hg19) VCF-style: chr2-182409470-T-G.
Other names: c.1400A>C, p.Glu467Ala (NM_001030311.3); c.983A>C, p.Glu328Ala (NM_001030312.3); c.1115A>C, p.Glu372Ala (NM_001030313.3); c.*604A>C (NM_001030314.1, NM_001030315.1); c.1268A>C, p.Glu423Ala (NM_001160277.2); c.1400A>C (NM_001030311.2); short protein forms E423A, E441A, E372A, E467A, E328A.
Identifiers: ClinVar variation 1989542 (VCV001989542.2), dbSNP rs2468283295, ClinGen allele CA349734431.

ClinVar aggregate classification (germline): Uncertain significance. Review status: criteria provided, multiple submitters, no conflicts (2 of 4 stars). 2 submissions from 2 submitters: Uncertain significance (2). Last evaluated 2024-07-18.

Conditions:
Inborn genetic diseases. Identifiers: MedGen C0950123, MeSH D030342.

Allele frequency attached by ClinVar (database versions not stated): gnomAD exomes 0.00001.
gnomAD v4.1: 10 of 1,609,398 alleles (0.00062%); highest among the groups gnomAD compares: Non-Finnish European, 0.00085%; no homozygotes.

Submissions (2):

Ambry Genetics
Classification: Uncertain significance for Inborn genetic diseases. Last evaluated: 2024-07-18. Review status: criteria provided, single submitter. Criteria: Ambry Variant Classification Scheme 2023. Collection method: clinical testing. Allele origin: germline.

Labcorp Genetics (formerly Invitae), Labcorp
Classification: Uncertain significance. Last evaluated: 2022-03-11. Review status: criteria provided, single submitter. Criteria: Invitae Variant Classification Sherloc (09022015). Collection method: clinical testing. Allele origin: germline.
Comment: This sequence change replaces glutamic acid, which is acidic and polar, with alanine, which is neutral and non-polar, at codon 467 of the CERKL protein (p.Glu467Ala). This variant is not present in population databases (gnomAD no frequency). This variant has not been reported in the literature in individuals affected with CERKL-related conditions. Algorithms developed to predict the effect of missense changes on protein structure and function (SIFT, PolyPhen-2, Align-GVGD) all suggest that this variant is likely to be tolerated. In summary, the available evidence is currently insufficient to determine the role of this variant in disease. Therefore, it has been classified as a Variant of Uncertain Significance.